The following is an entry in ClinVar:

NM_000373.4(UMPS):c.*1326C>A

Gene: UMPS (uridine monophosphate synthetase; plus strand). Cytogenetic location: 3q21.2.
Variant type: single nucleotide variant.
Coding change: c.*1326C>A on transcript NM_000373.4 (MANE Select); 1326 bases downstream of the stop codon, C replaced by A.
Molecular consequence: 3 prime UTR variant. On other transcripts: non-coding transcript variant (2).
Genome position (GRCh38, 1-based): chr3:124,745,410, C>A. VCF-style: chr3-124745410-C-A. GRCh37 (hg19) VCF-style: chr3-124464257-C-A.
Identifiers: ClinVar variation 342958 (VCV000342958.5), dbSNP rs2242249, ClinGen allele CA2581987.

ClinVar aggregate classification (germline): Benign (1 of 4 stars; one submission).

Conditions:
Oroticaciduria. Also called: Orotic aciduria. Identifiers: Orphanet 30, MedGen C0268128, HP:0003218.

Allele frequency attached by ClinVar (database versions not stated): gnomAD exomes 0.02613 and 0.02132; ExAC 0.03184; 1000 Genomes Project 0.02776; gnomAD 0.01137; TOPMed 0.01396; 1000 Genomes Project 30x 0.02764.
gnomAD v4.1: 8,414 of 452,954 alleles (1.9%); highest among the groups gnomAD compares: East Asian, 6%; 172 homozygotes.

Submission:

Illumina Laboratory Services, Illumina
Classification: Benign for Hereditary orotic aciduria. Last evaluated: 2018-01-12. Review status: criteria provided, single submitter. Criteria: ICSL Variant Classification Criteria 13 December 2019. Collection method: clinical testing. Allele origin: germline.
Comment: This variant was observed in the ICSL laboratory as part of a predisposition screen in an ostensibly healthy population. It had not been previously curated by ICSL or reported in the Human Gene Mutation Database (HGMD: prior to June 1st, 2018), and was therefore a candidate for classification through an automated scoring system. Utilizing variant allele frequency, disease prevalence and penetrance estimates, and inheritance mode, an automated score was calculated to assess if this variant is too frequent to cause the disease. Based on the score and internal cut-off values, a variant classified as benign is not then subjected to further curation. The score for this variant resulted in a classification of benign for this disease.